The following is an entry in ClinVar:

ClinVar aggregate classification (germline): Conflicting classifications of pathogenicity. Review status: criteria provided, conflicting classifications (1 of 4 stars). 10 submissions from 10 submitters: Uncertain significance (6); Likely benign (2). 2 of the submissions do not count toward it. Last evaluated 2026-08-03.

Conditions:
KARS1-related disorder. Also called: KARS1-related disorders.
Hearing impairment. Also called: Impaired Hearing. Identifiers: MedGen C1384666, MONDO:0005365, HP:0000365.

Allele frequency attached by ClinVar (database versions not stated): 1000 Genomes Project 0.00040; 1000 Genomes Project 30x 0.00047; TOPMed 0.00048; ESP Exome Variant Server 0.00062; gnomAD 0.00072 and 0.00075; gnomAD exomes 0.00079; ExAC 0.00091.
gnomAD v4.1: 1,391 of 1,614,210 alleles (0.086%); highest among the groups gnomAD compares: Non-Finnish European, 0.11%; 1 homozygote.

Submissions (10):

PreventionGenetics, part of Exact Sciences
Classification: Uncertain significance for KARS1-related condition. Last evaluated: 2026-08-03. Review status: criteria provided, single submitter. Criteria: ACMG Guidelines, 2015. Collection method: clinical testing. Allele origin: germline.
Comment: The KARS1 c.801T>G variant is predicted to result in the amino acid substitution p.Phe267Leu. To our knowledge, this variant has not been reported in the literature. This variant is reported in 0.14% of alleles in individuals of European (Non-Finnish) descent in gnomAD. Although we suspect that this variant may be benign, at this time, the clinical significance of this variant is uncertain due to the absence of conclusive functional and genetic evidence.

Labcorp Genetics (formerly Invitae), Labcorp
Classification: Uncertain significance. Last evaluated: 2025-12-09. Review status: criteria provided, single submitter. Criteria: Invitae Variant Classification Sherloc (09022015). Collection method: clinical testing. Allele origin: germline.
Comment: This sequence change replaces phenylalanine, which is neutral and non-polar, with leucine, which is neutral and non-polar, at codon 267 of the KARS protein (p.Phe267Leu). This variant is present in population databases (rs117188693, gnomAD 0.1%), and has an allele count higher than expected for a pathogenic variant. This variant has not been reported in the literature in individuals affected with KARS-related conditions. ClinVar contains an entry for this variant (Variation ID: 420262). Invitae Evidence Modeling of protein sequence and biophysical properties (such as structural, functional, and spatial information, amino acid conservation, physicochemical variation, residue mobility, and thermodynamic stability) indicates that this missense variant is not expected to disrupt KARS protein function with a negative predictive value of 80%. In summary, the available evidence is currently insufficient to determine the role of this variant in disease. Therefore, it has been classified as a Variant of Uncertain Significance.

Blueprint Genetics
Classification: Uncertain significance. Last evaluated: 2024-11-08. Review status: criteria provided, single submitter. Criteria: ACMG Guidelines, 2015. Collection method: clinical testing. Allele origin: germline.

Department of Otolaryngology – Head & Neck Surgery, Cochlear Implant Center
Classification: Likely benign for Hearing impairment. Last evaluated: 2021-04-12. Review status: criteria provided, single submitter. Criteria: ClinGen HL ACMG Specifications v1. Collection method: clinical testing. Allele origin: germline. Affected: yes.
Comment: BS1_Strong, BP4_Supporting, BP5_ Supporting

GeneDx
Classification: Likely benign. Last evaluated: 2020-11-07. Review status: criteria provided, single submitter. Criteria: GeneDx Variant Classification Process June 2021. Collection method: clinical testing. Allele origin: germline. Affected: yes.
Comment: In silico analysis supports that this missense variant does not alter protein structure/function; This variant is associated with the following publications: (PMID: 24105373)

Mayo Clinic Laboratories, Mayo Clinic
Classification: Uncertain significance. Last evaluated: 2020-10-12. Review status: criteria provided, single submitter. Criteria: ACMG Guidelines, 2015. Collection method: clinical testing. Allele origin: germline. Observed: 3 variant alleles.

ARUP Laboratories, Molecular Genetics and Genomics, ARUP Laboratories
Classification: Uncertain significance. Last evaluated: 2020-04-04. Review status: criteria provided, single submitter. Criteria: ARUP Molecular Germline Variant Investigation Process. Collection method: clinical testing. Allele origin: germline.
Comment: The KARS c.801T>G; p.Phe267Leu variant (rs117188693) is reported in the literature in a homozygous individual affected with distal hereditary motor neuropathy (Zhao 2014). This variant is found in the non-Finnish European population with an overall allele frequency of 0.14% (185/129110 alleles) in the Genome Aggregation Database. The phenylalanine at codon 267 is moderately conserved, and computational analyses (SIFT, PolyPhen-2) predict that this variant is tolerated. However, splicing analyses (Alamut v.2.11) predict that this variant may impact splicing by creating a novel cryptic donor site, although splicing analyses would be required to confirm this. Given the lack of additional clinical and functional data, the significance of the p.Phe267Leu variant is uncertain at this time. References: Zhao H et al. Exome sequencing reveals HINT1 mutations as a cause of distal hereditary motor neuropathy. Eur J Hum Genet. 2014 Jun;22(6):847-50.

Laboratory for Molecular Medicine, Mass General Brigham Personalized Medicine
Classification: Uncertain significance. Last evaluated: 2019-08-27. Review status: criteria provided, single submitter. Criteria: LMM Criteria. Collection method: clinical testing. Allele origin: germline. Observed: 3 variant alleles.
Comment: Variant classified as Uncertain Significance - Favor Benign. The p.Phe267Leu variant in KARS has been identified in the heterozygous state in two individuals with hearing loss (LMM data), but has also been identified in 0.14% (185/129110) of European chromosomes by gnomAD. This variant has been reported in ClinVar (Variation ID 420262). Computational prediction tools and conservation analyses do not provide strong support for or against an impact to the protein. In summary, while the clinical significance of this variant is uncertain, its frequency suggests that it is more likely to be benign. ACMG/AMP Criteria applied: BS1_Supporting.

Clinical Genetics DNA and cytogenetics Diagnostics Lab, Erasmus MC, Erasmus Medical Center
Classification: Uncertain significance. Review status: no assertion criteria provided. Collection method: clinical testing. Allele origin: germline. Affected: yes. Study: VKGL Data-share Consensus. Not counted in ClinVar's aggregate classification.

Clinical Genetics, Academic Medical Center
Classification: Uncertain significance. Review status: no assertion criteria provided. Collection method: clinical testing. Allele origin: germline. Affected: yes. Study: VKGL Data-share Consensus. Not counted in ClinVar's aggregate classification.

NM_005548.3(KARS1):c.717T>G (p.Phe239Leu)

Gene: KARS1 (lysyl-tRNA synthetase 1; minus strand). Cytogenetic location: 16q23.1.
Variant type: single nucleotide variant.
Coding change: c.717T>G on transcript NM_005548.3 (MANE Select); coding-DNA position 717, T replaced by G.
Protein change: p.Phe239Leu; replaces phenylalanine 239 with leucine.
Molecular consequence: missense variant.
Genome position (GRCh38, 1-based): chr16:75,635,758, A>C on the plus strand (T>G on the coding strand, the complement: KARS1 is on the minus strand). VCF-style: chr16-75635758-A-C. GRCh37 (hg19) VCF-style: chr16-75669656-A-C.
Other names: c.801T>G, p.Phe267Leu (NM_001130089.2); c.249T>G, p.Phe83Leu (NM_001378148.1); short protein forms F267L, F239L, F83L.
Identifiers: ClinVar variation 420262 (VCV000420262.32), dbSNP rs117188693, ClinGen allele CA8177526.